The following is an entry in ClinVar:

NC_000015.9:g.(?_32964889)_(33004937_?)dup

Genes: GREM1 (gremlin 1, DAN family BMP antagonist; plus strand), SCG5 (secretogranin V; plus strand). Cytogenetic location: 15q13.3.
Variant type: Duplication.
Identifiers: ClinVar variation 1062673 (VCV001062673.8).

ClinVar aggregate classification (germline): Uncertain significance (1 of 4 stars; one submission).

Conditions:
Familial colorectal cancer. Identifiers: MedGen CN280943, MONDO:0023113. Disease mechanism: loss of function.

Submission:

Labcorp Genetics (formerly Invitae), Labcorp
Classification: Uncertain significance for Familial colorectal cancer. Last evaluated: 2024-01-24. Review status: criteria provided, single submitter. Criteria: Invitae Variant Classification Sherloc (09022015). Collection method: clinical testing. Allele origin: germline.
Comment: This variant results in a copy number gain of the genomic region encompassing the promoter of the GREM1 gene. The precise boundaries of this event are unknown. Two different tandem duplications (40 kb and 16 kb) spanning the 3' end of the SCG5 gene and the region upstream of the GREM1 gene have been reported in families with hereditary mixed polyposis syndrome (PMID: 22561515, 25992589, 26493165). However, the gain identified in this individual is different from those variants, and therefore the impact of the additional duplicated sequences on GREM1 expression and function has not been established. In summary, the available evidence is currently insufficient to determine the role of this variant in disease. Therefore, it has been classified as a Variant of Uncertain Significance.

Literature cited by the submitters: PubMed 22561515; PubMed 25992589; PubMed 26493165.